The following is an entry in ClinVar:

ClinVar aggregate classification (germline): Uncertain significance (1 of 4 stars; one submission).

Allele frequency attached by ClinVar (database versions not stated): gnomAD exomes below 0.00001; gnomAD 0.00001; TOPMed 0.00001.

Submission:

Labcorp Genetics (formerly Invitae), Labcorp
Classification: Uncertain significance. Last evaluated: 2021-12-24. Review status: criteria provided, single submitter. Criteria: Invitae Variant Classification Sherloc (09022015). Collection method: clinical testing. Allele origin: germline.
Comment: This sequence change replaces alanine, which is neutral and non-polar, with valine, which is neutral and non-polar, at codon 532 of the LRRC56 protein (p.Ala532Val). This variant is not present in population databases (gnomAD no frequency). This variant has not been reported in the literature in individuals affected with LRRC56-related conditions. Algorithms developed to predict the effect of missense changes on protein structure and function (SIFT, PolyPhen-2, Align-GVGD) all suggest that this variant is likely to be tolerated. In summary, the available evidence is currently insufficient to determine the role of this variant in disease. Therefore, it has been classified as a Variant of Uncertain Significance.

NM_198075.4(LRRC56):c.1595C>T (p.Ala532Val)

Gene: LRRC56 (leucine rich repeat containing 56; plus strand). Cytogenetic location: 11p15.5.
Variant type: single nucleotide variant.
Coding change: c.1595C>T on transcript NM_198075.4 (MANE Select); coding-DNA position 1595, C replaced by T.
Protein change: p.Ala532Val; replaces alanine 532 with valine.
Molecular consequence: missense variant.
Genome position (GRCh38, 1-based): chr11:554,242, C>T. VCF-style: chr11-554242-C-T. GRCh37 (hg19) VCF-style: chr11-554242-C-T.
Other names: short protein forms A532V.
Identifiers: ClinVar variation 2058770 (VCV002058770.4), dbSNP rs949024110, ClinGen allele CA216899047.